The following is an entry in ClinVar:

NM_001165963.4(SCN1A):c.2306T>C (p.Phe769Ser)

Gene: SCN1A (sodium voltage-gated channel alpha subunit 1; minus strand). Cytogenetic location: 2q24.3.
Variant type: single nucleotide variant.
Coding change: c.2306T>C on transcript NM_001165963.4 (MANE Select); coding-DNA position 2306, T replaced by C.
Protein change: p.Phe769Ser; replaces phenylalanine 769 with serine.
Molecular consequence: missense variant. On other transcripts: 5 prime UTR variant (1), non-coding transcript variant (1).
Genome position (GRCh38, 1-based): chr2:166,041,340, A>G on the plus strand (T>C on the coding strand, the complement: SCN1A is on the minus strand). VCF-style: chr2-166041340-A-G. GRCh37 (hg19) VCF-style: chr2-166897850-A-G.
Other names: c.2222T>C, p.Phe741Ser (NM_001165964.3, NM_001353957.2, NM_001353958.2); c.2306T>C, p.Phe769Ser (NM_001202435.3, NM_001353948.2); c.2273T>C, p.Phe758Ser (NM_001353949.2, NM_001353950.2, NM_001353951.2 and 2 more transcripts); c.2270T>C, p.Phe757Ser (NM_001353954.2, NM_001353955.2); c.2219T>C, p.Phe740Ser (NM_001353960.2); c.-153T>C (NM_001353961.2); short protein forms F740S, F741S, F757S, F758S, F769S.
Identifiers: ClinVar variation 3364005 (VCV003364005.1).
Genomic context (GRCh38, chr2:166,041,340, plus strand): 5'-TGCTCCATGGCCATGAAAAGAGTATTTAAGACAATACAGATGGTGATGGCCAGGTCAACA[A>G]ATGGGTCCATCACAACCAGGTTGACAACATGTTTCACTTTTAACCAATATGGAGAACAGT-3'
Protein context (NP_001159435.1, residues 759-779): HVVNLVVMDP[Phe769Ser]VDLAITICIV

ClinVar aggregate classification (germline): Uncertain significance (1 of 4 stars; one submission).

gnomAD v4.1: 1 of 1,613,672 alleles (0.000062%); highest among the groups gnomAD compares: Non-Finnish European, 0.000085%; no homozygotes.

Submission:

GeneDx
Classification: Uncertain significance. Last evaluated: 2023-11-07. Review status: criteria provided, single submitter. Criteria: GeneDx Variant Classification Process June 2021. Collection method: clinical testing. Allele origin: germline. Affected: yes.
Comment: Not observed at significant frequency in large population cohorts (gnomAD); In silico analysis supports that this missense variant has a deleterious effect on protein structure/function; Missense variants in this gene are a common cause of disease and they are underrepresented in the general population; This substitution is predicted to be within the transmembrane segment S1 of the second homologous domain; Has not been previously published as pathogenic or benign to our knowledge